The following is an entry in ClinVar:

NM_006059.4(LAMC3):c.944G>A (p.Arg315Gln)

Gene: LAMC3 (laminin subunit gamma 3; plus strand). Cytogenetic location: 9q34.12.
Variant type: single nucleotide variant.
Coding change: c.944G>A on transcript NM_006059.4 (MANE Select); coding-DNA position 944, G replaced by A.
Protein change: p.Arg315Gln; replaces arginine 315 with glutamine.
Molecular consequence: missense variant.
Genome position (GRCh38, 1-based): chr9:131,036,300, G>A. VCF-style: chr9-131036300-G-A. GRCh37 (hg19) VCF-style: chr9-133911687-G-A.
Other names: short protein forms R315Q.
Identifiers: ClinVar variation 129476 (VCV000129476.14), dbSNP rs45444592, ClinGen allele CA153518.

ClinVar aggregate classification (germline): Uncertain significance. Review status: criteria provided, multiple submitters, no conflicts (2 of 4 stars). 4 submissions from 4 submitters: Uncertain significance (3). 1 of the submissions does not count toward it. Last evaluated 2025-03-18.

Conditions:
Inborn genetic diseases. Identifiers: MedGen C0950123, MeSH D030342.

Allele frequency attached by ClinVar (database versions not stated): ESP Exome Variant Server 0.00008; gnomAD 0.00012; TOPMed 0.00014; ExAC 0.00015; 1000 Genomes Project 30x 0.00016; 1000 Genomes Project 0.00020.
gnomAD v4.1: 348 of 1,613,168 alleles (0.022%); highest among the groups gnomAD compares: Non-Finnish European, 0.027%; no homozygotes.

Submissions (4):

Ambry Genetics
Classification: Uncertain significance for Inborn genetic diseases. Last evaluated: 2025-03-18. Review status: criteria provided, single submitter. Criteria: Ambry Variant Classification Scheme 2023. Collection method: clinical testing. Allele origin: germline.

GeneDx
Classification: Uncertain significance. Last evaluated: 2023-10-03. Review status: criteria provided, single submitter. Criteria: GeneDx Variant Classification Process June 2021. Collection method: clinical testing. Allele origin: germline. Affected: yes.
Comment: In silico analysis supports that this missense variant has a deleterious effect on protein structure/function; Has not been previously published as pathogenic or benign to our knowledge

Labcorp Genetics (formerly Invitae), Labcorp
Classification: Uncertain significance. Last evaluated: 2022-08-10. Review status: criteria provided, single submitter. Criteria: Invitae Variant Classification Sherloc (09022015). Collection method: clinical testing. Allele origin: germline.
Comment: This sequence change replaces arginine, which is basic and polar, with glutamine, which is neutral and polar, at codon 315 of the LAMC3 protein (p.Arg315Gln). This variant is present in population databases (rs45444592, gnomAD 0.03%). This variant has not been reported in the literature in individuals affected with LAMC3-related conditions. ClinVar contains an entry for this variant (Variation ID: 129476). Algorithms developed to predict the effect of missense changes on protein structure and function are either unavailable or do not agree on the potential impact of this missense change (SIFT: "Tolerated"; PolyPhen-2: "Probably Damaging"; Align-GVGD: "Class C0"). Algorithms developed to predict the effect of sequence changes on RNA splicing suggest that this variant may create or strengthen a splice site. In summary, the available evidence is currently insufficient to determine the role of this variant in disease. Therefore, it has been classified as a Variant of Uncertain Significance.

Genetic Services Laboratory, University of Chicago
Classification: Likely benign for AllHighlyPenetrant. Review status: no assertion criteria provided. Collection method: clinical testing. Allele origin: germline. Inheritance: X-linked inheritance. Not counted in ClinVar's aggregate classification.
Comment: Likely benign based on allele frequency in 1000 Genomes Project or ESP global frequency and its presence in a patient with a rare or unrelated disease phenotype. NOT Sanger confirmed.